The following is an entry in ClinVar:

ClinVar aggregate classification (germline): Pathogenic/Likely pathogenic. Review status: criteria provided, multiple submitters, no conflicts (2 of 4 stars). 2 submissions from 2 submitters: Pathogenic (1); Likely pathogenic (1). Last evaluated 2025-01-14.

Conditions:
Niemann-Pick disease, type C1. Also called: NEUROVISCERAL STORAGE DISEASE WITH VERTICAL SUPRANUCLEAR OPHTHALMOPLEGIA; NIEMANN-PICK DISEASE WITH CHOLESTEROL ESTERIFICATION BLOCK; NIEMANN-PICK DISEASE WITHOUT SPHINGOMYELINASE DEFICIENCY; NIEMANN-PICK DISEASE, CHRONIC NEURONOPATHIC FORM; NIEMANN-PICK DISEASE, VARIANT TYPE C1. Identifiers: Orphanet 646, MedGen C3179455, MONDO:0009757, OMIM 257220.
Niemann-Pick disease, type C (NPC). Identifiers: Orphanet 646, MedGen C0220756, MONDO:0018982.

Allele frequency attached by ClinVar (database versions not stated): gnomAD exomes below 0.00001.
gnomAD v4.1: 2 of 1,610,720 alleles (0.00012%); highest among the groups gnomAD compares: Non-Finnish European, 0.00017%; no homozygotes.

Submissions (2):

Women's Health and Genetics/Laboratory Corporation of America, LabCorp
Classification: Likely pathogenic for Niemann-Pick disease, type C. Last evaluated: 2025-01-14. Review status: criteria provided, single submitter. Criteria: LabCorp Variant Classification Summary - May 2015. Collection method: clinical testing. Allele origin: germline.
Comment: Variant summary: NPC1 c.2171T>C (p.Leu724Pro) results in a non-conservative amino acid change located in the Sterol-sensing domain (SSD) (IPR000731) of the encoded protein sequence. Four of five in-silico tools predict a damaging effect of the variant on protein function. The variant allele was found at a frequency of 4e-06 in 250816 control chromosomes. c.2171T>C has been reported in the literature in compound heterozygous individuals affected with Niemann-Pick Disease Type C (e.g. Millat_2001, Sevin_2007, Freihuber_2023). These data indicate that the variant may be associated with disease. At least one publication reports experimental evidence evaluating an impact on protein function, showing near null NPC1 protein levels in compound heterozygous patient fibroblasts, slightly elevated baseline cholesterol accumulation in lysosomal storage organelles in vitro, and significantly altered trafficking compared to WT in vitro (e.g. Millat_2001, Sevin_2007, Freihuber_2023). The following publications have been ascertained in the context of this evaluation (PMID: 37480097, 11333381, 28193631, 17003072, 31509197). ClinVar contains an entry for this variant (Variation ID: 2736708). Based on the evidence outlined above, the variant was classified as likely pathogenic.

Labcorp Genetics (formerly Invitae), Labcorp
Classification: Pathogenic for Niemann-Pick disease, type C1. Last evaluated: 2024-01-16. Review status: criteria provided, single submitter. Criteria: Invitae Variant Classification Sherloc (09022015). Collection method: clinical testing. Allele origin: germline.
Comment: This sequence change replaces leucine, which is neutral and non-polar, with proline, which is neutral and non-polar, at codon 724 of the NPC1 protein (p.Leu724Pro). This variant is present in population databases (no rsID available, gnomAD 0.0009%). This missense change has been observed in individual(s) with Niemann-Pick Type C (PMID: 11333381). In at least one individual the data is consistent with being in trans (on the opposite chromosome) from a pathogenic variant. Advanced modeling of protein sequence and biophysical properties (such as structural, functional, and spatial information, amino acid conservation, physicochemical variation, residue mobility, and thermodynamic stability) performed at Invitae indicates that this missense variant is expected to disrupt NPC1 protein function with a positive predictive value of 95%. Studies have shown that this missense change alters NPC1 gene expression (PMID: 11333381). For these reasons, this variant has been classified as Pathogenic.

Literature cited by the submitters: PubMed 11333381 (cited by Women's Health and Genetics/Laboratory Corporation of America, LabCorp and Labcorp Genetics (formerly Invitae), Labcorp); PubMed 17003072 (cited by Women's Health and Genetics/Laboratory Corporation of America, LabCorp); PubMed 28193631 (cited by Women's Health and Genetics/Laboratory Corporation of America, LabCorp); PubMed 31509197 (cited by Women's Health and Genetics/Laboratory Corporation of America, LabCorp); PubMed 37480097 (cited by Women's Health and Genetics/Laboratory Corporation of America, LabCorp).

NM_000271.5(NPC1):c.2171T>C (p.Leu724Pro)

Gene: NPC1 (NPC intracellular cholesterol transporter 1; minus strand). Cytogenetic location: 18q11.2.
Variant type: single nucleotide variant.
Coding change: c.2171T>C on transcript NM_000271.5 (MANE Select); coding-DNA position 2171, T replaced by C.
Protein change: p.Leu724Pro; replaces leucine 724 with proline.
Molecular consequence: missense variant.
Genome position (GRCh38, 1-based): chr18:23,543,529, A>G on the plus strand (T>C on the coding strand, the complement: NPC1 is on the minus strand). VCF-style: chr18-23543529-A-G. GRCh37 (hg19) VCF-style: chr18-21123493-A-G.
Other names: short protein forms L724P.
Identifiers: ClinVar variation 2736708 (VCV002736708.6), dbSNP rs1393388896, ClinGen allele CA401770881.